The following is an entry in ClinVar:

NM_001369.3(DNAH5):c.654G>A (p.Lys218=)

Gene: DNAH5 (dynein axonemal heavy chain 5; minus strand). Cytogenetic location: 5p15.2.
Variant type: single nucleotide variant.
Coding change: c.654G>A on transcript NM_001369.3 (MANE Select); coding-DNA position 654, G replaced by A.
Protein change: p.Lys218=; no amino-acid change (lysine 218 retained).
Molecular consequence: synonymous variant.
Genome position (GRCh38, 1-based): chr5:13,922,113, C>T on the plus strand (G>A on the coding strand, the complement: DNAH5 is on the minus strand). VCF-style: chr5-13922113-C-T. GRCh37 (hg19) VCF-style: chr5-13922222-C-T.
Other names: c.654G>A (NM_001369.2).
Identifiers: ClinVar variation 1084091 (VCV001084091.11), dbSNP rs200793212, ClinGen allele CA113966856.

ClinVar aggregate classification (germline): Likely benign. Review status: criteria provided, single submitter (1 of 4 stars). 2 submissions from 2 submitters: Likely benign (1). 1 of the submissions does not count toward it. Last evaluated 2024-06-04.

Conditions:
DNAH5-related disorder. Also called: DNAH5-related condition.
Primary ciliary dyskinesia. Also called: Ciliary dyskinesia. Identifiers: Orphanet 244, MedGen C0008780, MONDO:0016575, HP:0012265.

Allele frequency attached by ClinVar (database versions not stated): gnomAD exomes 0.00001 and 0.00003; TOPMed 0.00001; gnomAD 0.00001.
gnomAD v4.1: 46 of 1,613,896 alleles (0.0029%); highest among the groups gnomAD compares: Non-Finnish European, 0.0036%; no homozygotes.

Submissions (2):

Labcorp Genetics (formerly Invitae), Labcorp
Classification: Likely benign for Primary ciliary dyskinesia. Last evaluated: 2024-06-04. Review status: criteria provided, single submitter. Criteria: Invitae Variant Classification Sherloc (09022015). Collection method: clinical testing. Allele origin: germline.

PreventionGenetics, part of Exact Sciences
Classification: Likely benign for DNAH5-related condition. Last evaluated: 2022-08-10. Review status: no assertion criteria provided. Collection method: clinical testing. Allele origin: germline. Not counted in ClinVar's aggregate classification.
Comment: This variant is classified as likely benign based on ACMG/AMP sequence variant interpretation guidelines (Richards et al. 2015 PMID: 25741868, with internal and published modifications).